The following is an entry in ClinVar:

NM_021971.4(GMPPB):c.294dup (p.Glu99Ter)

Gene: GMPPB (GDP-mannose pyrophosphorylase B; minus strand). Cytogenetic location: 3p21.31.
Variant type: Duplication.
Coding change: c.294dup on transcript NM_021971.4 (MANE Select); coding-DNA position 294, one base duplicated (T; older notation c.294dupT).
Protein change: p.Glu99Ter; replaces glutamic acid 99 with a stop codon.
Molecular consequence: nonsense.
Genome position (GRCh38, 1-based): chr3:49,723,080, A duplicated on the plus strand (T on the coding strand, the reverse complement: GMPPB is on the minus strand). VCF-style (leftmost placement, unchanged base first): chr3-49723079-C-CA. GRCh37 (hg19) VCF-style: chr3-49760512-C-CA.
Other names: c.294dup, p.Glu99Ter (NM_013334.4); short protein forms E99*.
Identifiers: ClinVar variation 1072060 (VCV001072060.5), dbSNP rs1365085828, ClinGen allele CA543051075.
Genomic context (GRCh38, chr3:49,723,079, plus strand): 5'-CTTGGAAGGGGAAATCGCAGATCACGTCACTGTTGAGGACGAAGAAAGGGTCTGCAGTCT[C>CA]AGAGAGTAGGTCACGGGCCAGCGCCAGGGGCCCAGCTGGGGGAAGGGGACAGGTCACCAC-3'

ClinVar aggregate classification (germline): Pathogenic (1 of 4 stars; one submission).

Conditions:
Autosomal recessive limb-girdle muscular dystrophy type 2T. Also called: Limb-girdle muscular dystrophy-dystroglycanopathy, type C14; MUSCULAR DYSTROPHY-DYSTROGLYCANOPATHY, LIMB-GIRDLE, GMPPB-RELATED; MUSCULAR DYSTROPHY, LIMB-GIRDLE, TYPE 2T; Muscular dystrophy-dystroglycanopathy (limb-girdle), type c, 14. Identifiers: Orphanet 363623, MedGen C4518000, MONDO:0014142, OMIM 615352.
Muscular dystrophy-dystroglycanopathy (congenital with impaired intellectual development), type B, 14. Also called: Congenital muscular dystrophy-dystroglycanopathy with mental retardation, type B14; Muscular dystrophy-dystroglycanopathy (congenital with intellectual disability), type B14; MUSCULAR DYSTROPHY, CONGENITAL, GMPPB-RELATED. Identifiers: MedGen C3809221, MONDO:0014141, OMIM 615351.
Muscular dystrophy-dystroglycanopathy (congenital with brain and eye anomalies), type A14. Also called: Congenital Muscular Dystrophy-Dystroglycanopathy with Brain and Eye Anomalies Type A 14; Congenital muscular dystrophy-dystroglycanopathy with brain and eye anomalies, type A14; Muscular dystrophy-dystroglycanopathy (congenital with brain and eye anomalies), type a, 14; WALKER-WARBURG SYNDROME OR MUSCLE-EYE-BRAIN DISEASE, GMPPB-RELATED. Identifiers: Orphanet 588, MedGen C3809216, MONDO:0014140, OMIM 615350.

Allele frequency attached by ClinVar (database versions not stated): gnomAD 0.00001.

Submission:

Labcorp Genetics (formerly Invitae), Labcorp
Classification: Pathogenic for Autosomal recessive limb-girdle muscular dystrophy type 2T; Muscular dystrophy-dystroglycanopathy (congenital with brain and eye anomalies), type A14; Muscular dystrophy-dystroglycanopathy (congenital with impaired intellectual development), type B, 14. Last evaluated: 2020-12-21. Review status: criteria provided, single submitter. Criteria: Invitae Variant Classification Sherloc (09022015). Collection method: clinical testing. Allele origin: germline.
Comment: Loss-of-function variants in GMPPB are known to be pathogenic (PMID: 23768512, 26310427). For these reasons, this variant has been classified as Pathogenic. This variant has not been reported in the literature in individuals with GMPPB-related conditions. This variant is not present in population databases (ExAC no frequency). This sequence change creates a premature translational stop signal (p.Glu99*) in the GMPPB gene. It is expected to result in an absent or disrupted protein product.

Literature cited by the submitters: PubMed 23768512; PubMed 26310427.